The following is an entry in ClinVar:

NM_004360.5(CDH1):c.*4A>T

Gene: CDH1 (cadherin 1; plus strand). Cytogenetic location: 16q22.1.
Variant type: single nucleotide variant.
Coding change: c.*4A>T on transcript NM_004360.5 (MANE Select); 4 bases downstream of the stop codon, A replaced by T.
Molecular consequence: 3 prime UTR variant.
Genome position (GRCh38, 1-based): chr16:68,833,503, A>T. VCF-style: chr16-68833503-A-T. GRCh37 (hg19) VCF-style: chr16-68867406-A-T.
Other names: c.*4A>T (NM_001317184.2, NM_001317185.2, NM_001317186.2).
Identifiers: ClinVar variation 3378614 (VCV003378614.1).

ClinVar aggregate classification (germline): Benign (1 of 4 stars; one submission).

Conditions:
Hereditary diffuse gastric adenocarcinoma (HDGC). Also called: DIFFUSE GASTRIC AND LOBULAR BREAST CANCER SYNDROME. Identifiers: Orphanet 26106, MedGen C1708349, MONDO:0007648, OMIM 137215.

gnomAD v4.1: 1 of 1,612,358 alleles (0.000062%); highest among the groups gnomAD compares: South Asian, 0.0011%; no homozygotes.

Submission:

Myriad Genetics, Inc.
Classification: Benign for Hereditary diffuse gastric adenocarcinoma. Last evaluated: 2024-09-25. Review status: criteria provided, single submitter. Criteria: Myriad Autosomal Dominant, Autosomal Recessive and X-Linked Classification Criteria (2023). Collection method: clinical testing. Allele origin: unknown.
Comment: This variant is considered benign. This variant occurs in the non-coding 3' untranslated region of the gene, and is not expected to impact protein function.